The following is an entry in ClinVar:

ClinVar aggregate classification (germline): Uncertain significance (1 of 4 stars; one submission).

Allele frequency attached by ClinVar (database versions not stated): gnomAD exomes below 0.00001.
gnomAD v4.1: 2 of 1,614,168 alleles (0.00012%); highest among the groups gnomAD compares: Middle Eastern, 0.016%; no homozygotes.

Submission:

Labcorp Genetics (formerly Invitae), Labcorp
Classification: Uncertain significance. Last evaluated: 2023-11-15. Review status: criteria provided, single submitter. Criteria: Invitae Variant Classification Sherloc (09022015). Collection method: clinical testing. Allele origin: germline.
Comment: This sequence change replaces isoleucine, which is neutral and non-polar, with arginine, which is basic and polar, at codon 847 of the TCF20 protein (p.Ile847Arg). This variant is not present in population databases (gnomAD no frequency). This variant has not been reported in the literature in individuals affected with TCF20-related conditions. An algorithm developed to predict the effect of missense changes on protein structure and function (PolyPhen-2) suggests that this variant is likely to be tolerated. In summary, the available evidence is currently insufficient to determine the role of this variant in disease. Therefore, it has been classified as a Variant of Uncertain Significance.

NM_001378418.1(TCF20):c.2540T>G (p.Ile847Arg)

Gene: TCF20 (transcription factor 20; minus strand). Cytogenetic location: 22q13.2.
Variant type: single nucleotide variant.
Coding change: c.2540T>G on transcript NM_001378418.1 (MANE Select); coding-DNA position 2540, T replaced by G.
Protein change: p.Ile847Arg; replaces isoleucine 847 with arginine.
Molecular consequence: missense variant.
Genome position (GRCh38, 1-based): chr22:42,212,766, A>C on the plus strand (T>G on the coding strand, the complement: TCF20 is on the minus strand). VCF-style: chr22-42212766-A-C. GRCh37 (hg19) VCF-style: chr22-42608772-A-C.
Other names: c.2540T>G, p.Ile847Arg (NM_005650.4, NM_181492.3); short protein forms I847R.
Identifiers: ClinVar variation 2696058 (VCV002696058.3), dbSNP rs2518225448, ClinGen allele CA411788422.